The following is an entry in ClinVar:

NM_001909.5(CTSD):c.82A>G (p.Lys28Glu)

Genes: CTSD (cathepsin D; minus strand), PRADX (PRC2 and DDX5 associated lncRNA; plus strand). Cytogenetic location: 11p15.5.
Variant type: single nucleotide variant.
Coding change: c.82A>G on transcript NM_001909.5 (MANE Select); coding-DNA position 82, A replaced by G.
Protein change: p.Lys28Glu; replaces lysine 28 with glutamic acid.
Molecular consequence: missense variant.
Genome position (GRCh38, 1-based): chr11:1,761,455, T>C on the plus strand (A>G on the coding strand, the complement: CTSD is on the minus strand). VCF-style: chr11-1761455-T-C. GRCh37 (hg19) VCF-style: chr11-1782685-T-C.
Other names: short protein forms K28E.
Identifiers: ClinVar variation 2009761 (VCV002009761.1), dbSNP rs770960373, ClinGen allele CA5814298.

ClinVar aggregate classification (germline): Uncertain significance (1 of 4 stars; one submission).

Conditions:
Neuronal ceroid lipofuscinosis. Also called: Neuronal Ceroid Lipofuscinoses. Identifiers: Orphanet 216, Orphanet 79263, MedGen C0027877, MONDO:0016295. Disease mechanism: loss of function.

Allele frequency attached by ClinVar (database versions not stated): gnomAD exomes below 0.00001; ExAC 0.00002; TOPMed 0.00002; gnomAD 0.00003.
gnomAD v4.1: 5 of 1,613,716 alleles (0.00031%); highest among the groups gnomAD compares: African/African-American, 0.0053%; no homozygotes.

Submission:

Labcorp Genetics (formerly Invitae), Labcorp
Classification: Uncertain significance for Neuronal ceroid lipofuscinosis. Last evaluated: 2022-06-23. Review status: criteria provided, single submitter. Criteria: Invitae Variant Classification Sherloc (09022015). Collection method: clinical testing. Allele origin: germline.
Comment: This sequence change replaces lysine, which is basic and polar, with glutamic acid, which is acidic and polar, at codon 28 of the CTSD protein (p.Lys28Glu). This variant is present in population databases (rs770960373, gnomAD 0.007%). This variant has not been reported in the literature in individuals affected with CTSD-related conditions. Algorithms developed to predict the effect of missense changes on protein structure and function (SIFT, PolyPhen-2, Align-GVGD) all suggest that this variant is likely to be disruptive. In summary, the available evidence is currently insufficient to determine the role of this variant in disease. Therefore, it has been classified as a Variant of Uncertain Significance.